The following is an entry in ClinVar:

ClinVar aggregate classification (germline): Uncertain significance (1 of 4 stars; one submission).

Submission:

Labcorp Genetics (formerly Invitae), Labcorp
Classification: Uncertain significance. Last evaluated: 2023-12-07. Review status: criteria provided, single submitter. Criteria: Invitae Variant Classification Sherloc (09022015). Collection method: clinical testing. Allele origin: germline.
Comment: This sequence change replaces proline, which is neutral and non-polar, with threonine, which is neutral and polar, at codon 708 of the COL18A1 protein (p.Pro708Thr). This variant is not present in population databases (gnomAD no frequency). This variant has not been reported in the literature in individuals affected with COL18A1-related conditions. ClinVar contains an entry for this variant (Variation ID: 1715532). Experimental studies and prediction algorithms are not available or were not evaluated, and the functional significance of this variant is currently unknown. In summary, the available evidence is currently insufficient to determine the role of this variant in disease. Therefore, it has been classified as a Variant of Uncertain Significance.

NM_001379500.1(COL18A1):c.2122C>A (p.Pro708Thr)

Gene: COL18A1 (collagen type XVIII alpha 1 chain; plus strand). Cytogenetic location: 21q22.3.
Variant type: single nucleotide variant.
Coding change: c.2122C>A on transcript NM_001379500.1 (MANE Select); coding-DNA position 2122, C replaced by A.
Protein change: p.Pro708Thr; replaces proline 708 with threonine.
Molecular consequence: missense variant.
Genome position (GRCh38, 1-based): chr21:45,491,279, C>A. VCF-style: chr21-45491279-C-A. GRCh37 (hg19) VCF-style: chr21-46911193-C-A.
Other names: c.2662C>A, p.Pro888Thr (NM_030582.4); c.3367C>A, p.Pro1123Thr (NM_130444.3); short protein forms P1123T, P708T, P888T.
Identifiers: ClinVar variation 1715532 (VCV001715532.5), dbSNP rs2145985115, ClinGen allele CA410497037.